The following is an entry in ClinVar:

ClinVar aggregate classification (germline): Uncertain significance (1 of 4 stars; one submission).

Submission:

Dasa
Classification: Uncertain significance. Last evaluated: 2025-11-28. Review status: criteria provided, single submitter. Criteria: DASA Assertion Criteria. Collection method: clinical testing. Allele origin: germline.
Comment: NM_001145102.2(SMAD3):c.-7_8del (p.Met1?) is a start-loss variant predicted to alter the translation initiation codon and impair normal protein translation. This variant is absent from population databases. The currently available literature and clinical evidence are not sufficient to establish a definitive association between this variant and the reported condition. Therefore, this variant is classified as a variant of uncertain significance.

NM_005902.4(SMAD3):c.309_323del (p.Arg104_Leu108del)

Gene: SMAD3 (SMAD family member 3; plus strand). Cytogenetic location: 15q22.33.
Variant type: Deletion.
Coding change: c.309_323del on transcript NM_005902.4 (MANE Select); coding-DNA positions 309 to 323, 15 bases deleted (ACGGGCCATGGAGCT).
Protein change: p.Arg104_Leu108del.
Molecular consequence: inframe deletion. On other transcripts: initiator codon variant (3).
Genome position (GRCh38, 1-based): chr15:67,164,997-67,165,011, ACGGGCCATGGAGCT deleted; deleting any 15 consecutive bases within chr15:67,164,992-67,165,011 gives the same sequence; the c. name uses the placement nearest the transcript's 3' end. VCF-style (leftmost placement, unchanged base first): chr15-67164991-CGAGCTACGGGCCATG-C. GRCh37 (hg19) VCF-style: chr15-67457329-CGAGCTACGGGCCATG-C.
Other names: c.309_323del, p.Arg104_Leu108del (NM_001407012.1, NM_001407013.1, NM_001407011.1); c.162_176del, p.Arg55_Leu59del (NM_001407014.1); c.-7_8del, p.Met1_Leu3del (NM_001407015.1, NM_001407016.1, NM_001145102.2); c.177_191del, p.Arg60_Leu64del (NM_001145103.2).
Identifiers: ClinVar variation 4886370 (VCV004886370.2).